The following is an entry in ClinVar:

NM_000179.3(MSH6):c.3848_3862del (p.Ile1283_Tyr1287del)

Gene: MSH6 (mutS homolog 6; plus strand). Cytogenetic location: 2p16.3.
Variant type: Deletion.
Coding change: c.3848_3862del on transcript NM_000179.3 (MANE Select); coding-DNA positions 3848 to 3862, 15 bases deleted (TTACGTTCCTCTATA).
Protein change: p.Ile1283_Tyr1287del.
Molecular consequence: non-coding transcript variant (on NR_176256.1). On other transcripts: intron variant (1), inframe indel (1).
Genome position (GRCh38, 1-based): chr2:47,806,498-47,806,512, TTACGTTCCTCTATA deleted; deleting any 15 consecutive bases within chr2:47,806,496-47,806,512 gives the same sequence; the c. name uses the placement nearest the transcript's 3' end. VCF-style (leftmost placement, unchanged base first): chr2-47806495-CTATTACGTTCCTCTA-C. GRCh37 (hg19) VCF-style: chr2-48033634-CTATTACGTTCCTCTA-C.
Other names: c.3458_3472del, p.Ile1153_Tyr1157del (NM_001281492.2); c.2942_2956del, p.Ile981_Tyr985del (NM_001281493.2, NM_001281494.2, NM_001406811.1 and 6 more transcripts); c.3944_3958del, p.Ile1315_Tyr1319del (NM_001406795.1); c.3848_3862del, p.Ile1283_Tyr1287del (NM_001406796.1, NM_001406808.1, NM_001406809.1); c.3551_3565del, p.Ile1184_Tyr1188del (NM_001406797.1, NM_001406801.1, NM_001406805.1 and 10 more transcripts); c.3674_3688del, p.Ile1225_Tyr1229del (NM_001406798.1); c.3323_3337del, p.Ile1108_Tyr1112del (NM_001406799.1, NM_001406806.1, NM_001406807.1); c.3835_3849del, p.Leu1279_Ile1283del (NM_001406800.1); and 10 more.
Identifiers: ClinVar variation 5024858 (VCV005024858.1).

ClinVar aggregate classification (germline): Uncertain significance (1 of 4 stars; one submission).

Conditions:
Hereditary cancer-predisposing syndrome. Also called: Neoplastic Syndromes, Hereditary; Tumor predisposition; Hereditary neoplastic syndrome; Hereditary Cancer Syndrome. Identifiers: Orphanet 140162, MedGen C0027672, MeSH D009386, MONDO:0015356.

Submission:

Ambry Genetics
Classification: Uncertain significance for Hereditary cancer-predisposing syndrome. Last evaluated: 2026-06-24. Review status: criteria provided, single submitter. Criteria: Ambry Variant Classification Scheme 2023. Collection method: clinical testing. Allele origin: germline.
Comment: The c.3848_3862del15 variant (also known as p.I1283_Y1287del) is located in coding exon 9 of the MSH6 gene. This variant results from an in-frame TTACGTTCCTCTATA deletion at nucleotide positions 3848 to 3862. This results in the in-frame deletion of ITFLY residues at codons 1283 to 1287. This amino acid region is highly conserved in available vertebrate species. In addition, this variant is predicted to be deleterious by in silico analysis (Choi Y et al. PLoS ONE. 2012; 7(10):e46688). Based on the available evidence, the clinical significance of this variant remains unclear.